The following is an entry in ClinVar:

NM_001164665.2(KIAA1549):c.726C>T (p.Ile242=)

Gene: KIAA1549 (KIAA1549; minus strand). Cytogenetic location: 7q34.
Variant type: single nucleotide variant.
Coding change: c.726C>T on transcript NM_001164665.2 (MANE Select); coding-DNA position 726, C replaced by T.
Protein change: p.Ile242=; no amino-acid change (isoleucine 242 retained).
Molecular consequence: synonymous variant.
Genome position (GRCh38, 1-based): chr7:138,918,900, G>A on the plus strand (C>T on the coding strand, the complement: KIAA1549 is on the minus strand). VCF-style: chr7-138918900-G-A. GRCh37 (hg19) VCF-style: chr7-138603646-G-A.
Other names: c.726C>T (NM_001164665.1); c.726C>T, p.Ile242= (NM_020910.3).
Identifiers: ClinVar variation 1157169 (VCV001157169.12), dbSNP rs752657504, ClinGen allele CA4506880.

ClinVar aggregate classification (germline): Likely benign. Review status: criteria provided, multiple submitters, no conflicts (2 of 4 stars). 3 submissions from 3 submitters: Likely benign (2). 1 of the submissions does not count toward it. Last evaluated 2025-10-06.

Conditions:
KIAA1549-related disorder. Also called: KIAA1549-related condition.

Allele frequency attached by ClinVar (database versions not stated): gnomAD exomes 0.00004; ExAC 0.00006; gnomAD 0.00007 and 0.00008; TOPMed 0.00012.
gnomAD v4.1: 65 of 1,613,942 alleles (0.004%); highest among the groups gnomAD compares: Middle Eastern, 0.016%; no homozygotes.

Submissions (3):

Labcorp Genetics (formerly Invitae), Labcorp
Classification: Likely benign. Last evaluated: 2025-10-06. Review status: criteria provided, single submitter. Criteria: Invitae Variant Classification Sherloc (09022015). Collection method: clinical testing. Allele origin: germline.

Blueprint Genetics
Classification: Likely benign. Last evaluated: 2022-09-14. Review status: criteria provided, single submitter. Criteria: ACMG Guidelines, 2015. Collection method: clinical testing. Allele origin: germline.

PreventionGenetics, part of Exact Sciences
Classification: Likely benign for KIAA1549-related condition. Last evaluated: 2020-05-12. Review status: no assertion criteria provided. Collection method: clinical testing. Allele origin: germline. Not counted in ClinVar's aggregate classification.
Comment: This variant is classified as likely benign based on ACMG/AMP sequence variant interpretation guidelines (Richards et al. 2015 PMID: 25741868, with internal and published modifications).